The following is an entry in ClinVar:

ClinVar aggregate classification (germline): Uncertain significance (1 of 4 stars; one submission).

gnomAD v4.1: 1 of 1,189,236 alleles (0.000084%); highest among the groups gnomAD compares: African/African-American, 0.0017%; no homozygotes.

Submission:

GeneDx
Classification: Uncertain significance. Last evaluated: 2025-02-02. Review status: criteria provided, single submitter. Criteria: GeneDx Variant Classification Process June 2021. Collection method: clinical testing. Allele origin: germline. Affected: yes.
Comment: Not observed at significant frequency in large population cohorts (gnomAD); In silico analysis indicates that this missense variant does not alter protein structure/function; Has not been previously published as pathogenic or benign to our knowledge

NM_020922.5(WNK3):c.1676A>G (p.His559Arg)

Gene: WNK3 (WNK lysine deficient protein kinase 3; minus strand). Cytogenetic location: Xp11.22.
Variant type: single nucleotide variant.
Coding change: c.1676A>G on transcript NM_020922.5 (MANE Select); coding-DNA position 1676, A replaced by G.
Protein change: p.His559Arg; replaces histidine 559 with arginine.
Molecular consequence: missense variant.
Genome position (GRCh38, 1-based): chrX:54,294,570, T>C on the plus strand (A>G on the coding strand, the complement: WNK3 is on the minus strand). VCF-style: chrX-54294570-T-C. GRCh37 (hg19) VCF-style: chrX-54321003-T-C.
Other names: c.1676A>G, p.His559Arg (NM_001002838.4, NM_001395166.1); short protein forms H559R.
Identifiers: ClinVar variation 4072756 (VCV004072756.1).
Genomic context (GRCh38, chrX:54,294,570, plus strand): 5'-TAATTGCACATGCGTTTGCTTTTACAAGCTGTAACTGTGTTACCTGTAACAGAGGAGCAG[T>C]GCTGCTGTGGTTTTCTTTGTAGAAGCTGTTGTCTAACATGTTGATCAACTTCAGTTTCTT-3'
Protein context (NP_065973.2, residues 549-569): QQLLQRKPQQ[His559Arg]CSSVTGDNLS